The following is an entry in ClinVar:

NM_004064.5(CDKN1B):c.273C>T (p.Pro91=)

Gene: CDKN1B (cyclin dependent kinase inhibitor 1B; plus strand). Cytogenetic location: 12p13.1.
Variant type: single nucleotide variant.
Coding change: c.273C>T on transcript NM_004064.5 (MANE Select); coding-DNA position 273, C replaced by T.
Protein change: p.Pro91=; no amino-acid change (proline 91 retained).
Molecular consequence: synonymous variant.
Genome position (GRCh38, 1-based): chr12:12,718,112, C>T. VCF-style: chr12-12718112-C-T. GRCh37 (hg19) VCF-style: chr12-12871046-C-T.
Identifiers: ClinVar variation 412884 (VCV000412884.18), dbSNP rs761928140, ClinGen allele CA6457438.

ClinVar aggregate classification (germline): Likely benign. Review status: criteria provided, multiple submitters, no conflicts (2 of 4 stars). 3 submissions from 3 submitters: Likely benign (3). Last evaluated 2026-01-27.

Conditions:
CDKN1B-related disorder. Also called: CDKN1B-related condition.
Hereditary cancer-predisposing syndrome. Also called: Neoplastic Syndromes, Hereditary; Tumor predisposition; Hereditary Cancer Syndrome; Hereditary neoplastic syndrome. Identifiers: Orphanet 140162, MedGen C0027672, MeSH D009386, MONDO:0015356.
Multiple endocrine neoplasia type 4. Also called: MULTIPLE ENDOCRINE NEOPLASIA, TYPE IV. Identifiers: Orphanet 276152, MedGen C1970712, MONDO:0012552, OMIM 610755.

Allele frequency attached by ClinVar (database versions not stated): ExAC 0.00002; gnomAD exomes 0.00002 and 0.00006; gnomAD 0.00008 and 0.00009; TOPMed 0.00009.
gnomAD v4.1: 93 of 1,614,096 alleles (0.0058%); highest among the groups gnomAD compares: Admixed American, 0.012%; no homozygotes.

Submissions (3):

Labcorp Genetics (formerly Invitae), Labcorp
Classification: Likely benign for Multiple endocrine neoplasia type 4. Last evaluated: 2026-01-27. Review status: criteria provided, single submitter. Criteria: Invitae Variant Classification Sherloc (09022015). Collection method: clinical testing. Allele origin: germline.

PreventionGenetics, part of Exact Sciences
Classification: Likely benign for CDKN1B-related condition. Last evaluated: 2025-12-17. Review status: criteria provided, single submitter. Criteria: ACMG Guidelines, 2015. Collection method: clinical testing. Allele origin: germline.
Comment: This variant is classified as likely benign based on ACMG/AMP sequence variant interpretation guidelines (Richards et al. 2015 PMID: 25741868, with internal and published modifications).

Ambry Genetics
Classification: Likely benign for Hereditary cancer-predisposing syndrome. Last evaluated: 2017-03-23. Review status: criteria provided, single submitter. Criteria: Ambry Variant Classification Scheme 2023. Collection method: clinical testing. Allele origin: germline.